The following is an entry in ClinVar:

NM_007078.3(LDB3):c.212C>G (p.Ser71Cys)

Gene: LDB3 (LIM domain binding 3; plus strand). Cytogenetic location: 10q23.2.
Variant type: single nucleotide variant.
Coding change: c.212C>G on transcript NM_007078.3 (MANE Select); coding-DNA position 212, C replaced by G.
Protein change: p.Ser71Cys; replaces serine 71 with cysteine.
Molecular consequence: missense variant.
Genome position (GRCh38, 1-based): chr10:86,679,485, C>G. VCF-style: chr10-86679485-C-G. GRCh37 (hg19) VCF-style: chr10-88439242-C-G.
Other names: c.212C>G, p.Ser71Cys (NM_001080114.2, NM_001080115.2, NM_001080116.1 and 8 more transcripts); c.212C>G (NM_007078.2); short protein forms S71C.
Identifiers: ClinVar variation 1309177 (VCV001309177.9), dbSNP rs772249948, ClinGen allele CA5584612.

ClinVar aggregate classification (germline): Uncertain significance. Review status: criteria provided, multiple submitters, no conflicts (2 of 4 stars). 3 submissions from 3 submitters: Uncertain significance (3). Last evaluated 2025-08-24.

Conditions:
Cardiovascular phenotype. Identifiers: MedGen CN230736.
Myofibrillar myopathy 4. Also called: Zaspopathy (type). Identifiers: Orphanet 98912, MedGen C4721886, MONDO:0012277, OMIM 609452.

Allele frequency attached by ClinVar (database versions not stated): gnomAD exomes below 0.00001 and 0.00001; TOPMed below 0.00001; ExAC 0.00001.
gnomAD v4.1: 7 of 1,614,124 alleles (0.00043%); highest among the groups gnomAD compares: Non-Finnish European, 0.00059%; no homozygotes.

Submissions (3):

Ambry Genetics
Classification: Uncertain significance for Cardiovascular phenotype. Last evaluated: 2025-08-24. Review status: criteria provided, single submitter. Criteria: Ambry Variant Classification Scheme 2023. Collection method: clinical testing. Allele origin: germline.
Comment: The p.S71C variant (also known as c.212C>G), located in coding exon 2 of the LDB3 gene, results from a C to G substitution at nucleotide position 212. The serine at codon 71 is replaced by cysteine, an amino acid with dissimilar properties. This amino acid position is conserved. In addition, this alteration is predicted to be tolerated by in silico analysis. Since supporting evidence is limited at this time, the clinical significance of this alteration remains unclear.

Labcorp Genetics (formerly Invitae), Labcorp
Classification: Uncertain significance for Myofibrillar myopathy 4. Last evaluated: 2024-10-02. Review status: criteria provided, single submitter. Criteria: Invitae Variant Classification Sherloc (09022015). Collection method: clinical testing. Allele origin: germline.
Comment: This sequence change replaces serine, which is neutral and polar, with cysteine, which is neutral and slightly polar, at codon 71 of the LDB3 protein (p.Ser71Cys). This variant is present in population databases (rs772249948, gnomAD 0.0009%). This variant has not been reported in the literature in individuals affected with LDB3-related conditions. ClinVar contains an entry for this variant (Variation ID: 1309177). An algorithm developed to predict the effect of missense changes on protein structure and function (PolyPhen-2) suggests that this variant is likely to be disruptive. In summary, the available evidence is currently insufficient to determine the role of this variant in disease. Therefore, it has been classified as a Variant of Uncertain Significance.

GeneDx
Classification: Uncertain significance. Last evaluated: 2019-10-10. Review status: criteria provided, single submitter. Criteria: GeneDx Variant Classification Process June 2021. Collection method: clinical testing. Allele origin: germline. Affected: yes.
Comment: Has not been previously published as pathogenic or benign to our knowledge; Not observed at a significant frequency in large population cohorts (Lek et al., 2016); In silico analysis, which includes protein predictors and evolutionary conservation, supports a deleterious effect